The following is an entry in ClinVar:

ClinVar aggregate classification (germline): Likely benign (1 of 4 stars; one submission).

Submission:

CeGaT Center for Human Genetics Tuebingen
Classification: Likely benign. Last evaluated: 2025-06-01. Review status: criteria provided, single submitter. Criteria: CeGaT Center For Human Genetics Tuebingen Variant Classification Criteria Version 2. Collection method: clinical testing. Allele origin: germline. Affected: yes. Observed: 1 variant allele.
Comment: TCF20: BP4

NM_001378418.1(TCF20):c.1703C>T (p.Pro568Leu)

Gene: TCF20 (transcription factor 20; minus strand). Cytogenetic location: 22q13.2.
Variant type: single nucleotide variant.
Coding change: c.1703C>T on transcript NM_001378418.1 (MANE Select); coding-DNA position 1703, C replaced by T.
Protein change: p.Pro568Leu; replaces proline 568 with leucine.
Molecular consequence: missense variant.
Genome position (GRCh38, 1-based): chr22:42,213,603, G>A on the plus strand (C>T on the coding strand, the complement: TCF20 is on the minus strand). VCF-style: chr22-42213603-G-A. GRCh37 (hg19) VCF-style: chr22-42609609-G-A.
Other names: c.1703C>T, p.Pro568Leu (NM_005650.4, NM_181492.3); short protein forms P568L.
Identifiers: ClinVar variation 4085209 (VCV004085209.8).